The following is an entry in ClinVar:

ClinVar aggregate classification (germline): Uncertain significance (1 of 4 stars; one submission).

Conditions:
Dilated cardiomyopathy 1KK (CMD1KK). Identifiers: Orphanet 154, Orphanet 75249, MedGen C3714995, MONDO:0014100, OMIM 615248.

Submission:

Labcorp Genetics (formerly Invitae), Labcorp
Classification: Uncertain significance for Dilated cardiomyopathy 1KK. Last evaluated: 2021-05-03. Review status: criteria provided, single submitter. Criteria: Invitae Variant Classification Sherloc (09022015). Collection method: clinical testing. Allele origin: germline.
Comment: In summary, the available evidence is currently insufficient to determine the role of this variant in disease. Therefore, it has been classified as a Variant of Uncertain Significance. This variant is not present in population databases (ExAC no frequency). This variant has not been reported in the literature in individuals with MYPN-related conditions. Algorithms developed to predict the effect of missense changes on protein structure and function are either unavailable or do not agree on the potential impact of this missense change (SIFT: "Tolerated"; PolyPhen-2: "Probably Damaging"; Align-GVGD: "Class C0"). This sequence change replaces isoleucine with valine at codon 823 of the MYPN protein (p.Ile823Val). The isoleucine residue is highly conserved and there is a small physicochemical difference between isoleucine and valine.

NM_032578.4(MYPN):c.2467A>G (p.Ile823Val)

Gene: MYPN (myopalladin; plus strand). Cytogenetic location: 10q21.3.
Variant type: single nucleotide variant.
Coding change: c.2467A>G on transcript NM_032578.4 (MANE Select); coding-DNA position 2467, A replaced by G.
Protein change: p.Ile823Val; replaces isoleucine 823 with valine.
Molecular consequence: missense variant. On other transcripts: non-coding transcript variant (2).
Genome position (GRCh38, 1-based): chr10:68,174,559, A>G. VCF-style: chr10-68174559-A-G. GRCh37 (hg19) VCF-style: chr10-69934316-A-G.
Other names: c.2467A>G, p.Ile823Val (NM_001256267.2); c.1585A>G, p.Ile529Val (NM_001256268.2); short protein forms I529V, I823V.
Identifiers: ClinVar variation 1443699 (VCV001443699.8), dbSNP rs2134201357, ClinGen allele CA376847700.